The following is an entry in ClinVar:

ClinVar aggregate classification (germline): Uncertain significance. Review status: criteria provided, multiple submitters, no conflicts (2 of 4 stars). 2 submissions from 2 submitters: Uncertain significance (2). Last evaluated 2026-01-27.

Allele frequency attached by ClinVar (database versions not stated): gnomAD 0.00001; gnomAD exomes 0.00003; TOPMed 0.00003; ExAC 0.00006.
gnomAD v4.1: 49 of 1,613,984 alleles (0.003%); highest among the groups gnomAD compares: East Asian, 0.018%; no homozygotes.

Submissions (2):

Labcorp Genetics (formerly Invitae), Labcorp
Classification: Uncertain significance. Last evaluated: 2026-01-27. Review status: criteria provided, single submitter. Criteria: Invitae Variant Classification Sherloc (09022015). Collection method: clinical testing. Allele origin: germline.
Comment: This sequence change replaces arginine, which is basic and polar, with cysteine, which is neutral and slightly polar, at codon 123 of the IL18BP protein (p.Arg123Cys). This variant is present in population databases (rs771647889, gnomAD 0.02%). This variant has not been reported in the literature in individuals affected with IL18BP-related conditions. ClinVar contains an entry for this variant (Variation ID: 2187512). An algorithm developed to predict the effect of missense changes on protein structure and function (PolyPhen-2) suggests that this variant is likely to be tolerated. In summary, the available evidence is currently insufficient to determine the role of this variant in disease. Therefore, it has been classified as a Variant of Uncertain Significance.

Ambry Genetics
Classification: Uncertain significance. Last evaluated: 2024-07-31. Review status: criteria provided, single submitter. Criteria: Ambry Variant Classification Scheme 2023. Collection method: clinical testing. Allele origin: germline.

NM_001039660.2(IL18BP):c.367C>T (p.Arg123Cys)

Gene: IL18BP (interleukin 18 binding protein; plus strand). Cytogenetic location: 11q13.4.
Variant type: single nucleotide variant.
Coding change: c.367C>T on transcript NM_001039660.2 (MANE Select); coding-DNA position 367, C replaced by T.
Protein change: p.Arg123Cys; replaces arginine 123 with cysteine.
Molecular consequence: missense variant. On other transcripts: intron variant (1).
Genome position (GRCh38, 1-based): chr11:72,001,412, C>T. VCF-style: chr11-72001412-C-T. GRCh37 (hg19) VCF-style: chr11-71712458-C-T.
Other names: c.367C>T, p.Arg123Cys (NM_001039659.2, NM_001145057.1, NM_005699.3 and 2 more transcripts); c.236-372C>T (NM_001145055.1); short protein forms R123C.
Identifiers: ClinVar variation 2187512 (VCV002187512.5), dbSNP rs771647889, ClinGen allele CA6166230.